The following is an entry in ClinVar:

NM_001365536.1(SCN9A):c.5918G>T (p.Arg1973Ile)

Genes: SCN1A-AS1 (SCN1A and SCN9A antisense RNA 1; plus strand), SCN9A (sodium voltage-gated channel alpha subunit 9; minus strand). Cytogenetic location: 2q24.3.
Variant type: single nucleotide variant.
Coding change: c.5918G>T on transcript NM_001365536.1 (MANE Select); coding-DNA position 5918, G replaced by T.
Protein change: p.Arg1973Ile; replaces arginine 1973 with isoleucine.
Molecular consequence: missense variant.
Genome position (GRCh38, 1-based): chr2:166,198,721, C>A on the plus strand (G>T on the coding strand, the complement: SCN9A is on the minus strand). VCF-style: chr2-166198721-C-A. GRCh37 (hg19) VCF-style: chr2-167055231-C-A.
Other names: c.5885G>T, p.Arg1962Ile (NM_002977.4); short protein forms R1973I, R1962I.
Identifiers: ClinVar variation 2947951 (VCV002947951.3), dbSNP rs771903438, ClinGen allele CA1943597.
Genomic context (GRCh38, chr2:166,198,721, plus strand): 5'-AAAATGAAGCTCTATTTTTTGCTTTCCTTGCTGTCTTTCCCTTTGTCTTCCTTTTCTGTT[C>A]TGTCTTGTTCATATTTCTCTTTGTCTGGCTTTGTTACACTATCATATGAAGGTGGAGAGG-3'
Protein context (NP_001352465.1, residues 1963-1983): KPDKEKYEQD[Arg1973Ile]TEKEDKGKDS

ClinVar aggregate classification (germline): Uncertain significance (1 of 4 stars; one submission).

Conditions:
Neuropathy, hereditary sensory and autonomic, type 2A (HSAN2A). Also called: ACROOSTEOLYSIS, GIACCAI TYPE; ACROOSTEOLYSIS, NEUROGENIC; MORVAN DISEASE; NEUROPATHY, CONGENITAL SENSORY; NEUROPATHY, HEREDITARY SENSORY RADICULAR, AUTOSOMAL RECESSIVE; NEUROPATHY, HEREDITARY SENSORY, TYPE IIA. Identifiers: Orphanet 970, MedGen C2752089, MONDO:0024309, OMIM 201300.
Generalized epilepsy with febrile seizures plus, type 7 (GEFSP7). Also called: GEFS+, TYPE 7. Identifiers: Orphanet 36387, MedGen C2751778, MONDO:0013470, OMIM 613863.

Allele frequency attached by ClinVar (database versions not stated): ExAC 0.00002.
gnomAD v4.1: 2 of 1,612,278 alleles (0.00012%); highest among the groups gnomAD compares: Non-Finnish European, 0.00017%; no homozygotes.

Submission:

Labcorp Genetics (formerly Invitae), Labcorp
Classification: Uncertain significance for Neuropathy, hereditary sensory and autonomic, type 2A; Generalized epilepsy with febrile seizures plus, type 7. Last evaluated: 2023-08-29. Review status: criteria provided, single submitter. Criteria: Invitae Variant Classification Sherloc (09022015). Collection method: clinical testing. Allele origin: germline.
Comment: Advanced modeling of protein sequence and biophysical properties (such as structural, functional, and spatial information, amino acid conservation, physicochemical variation, residue mobility, and thermodynamic stability) has been performed at Invitae for this missense variant, however the output from this modeling did not meet the statistical confidence thresholds required to predict the impact of this variant on SCN9A protein function. In summary, the available evidence is currently insufficient to determine the role of this variant in disease. Therefore, it has been classified as a Variant of Uncertain Significance. This variant has not been reported in the literature in individuals affected with SCN9A-related conditions. The frequency data for this variant in the population databases is considered unreliable, as metrics indicate poor data quality at this position in the gnomAD database. This sequence change replaces arginine, which is basic and polar, with isoleucine, which is neutral and non-polar, at codon 1962 of the SCN9A protein (p.Arg1962Ile).